The following is an entry in ClinVar:

ClinVar aggregate classification (germline): Likely benign (0 of 4 stars; one submission).

Conditions:
SYNM-related disorder. Also called: SYNM-related condition.

Allele frequency attached by ClinVar (database versions not stated): gnomAD exomes below 0.00001; TOPMed below 0.00001; gnomAD 0.00001.
gnomAD v4.1: 4 of 1,498,282 alleles (0.00027%); highest among the groups gnomAD compares: African/African-American, 0.0044%; no homozygotes.

Submission:

PreventionGenetics, part of Exact Sciences
Classification: Likely benign for SYNM-related condition. Last evaluated: 2022-02-10. Review status: no assertion criteria provided. Collection method: clinical testing. Allele origin: germline.
Comment: This variant is classified as likely benign based on ACMG/AMP sequence variant interpretation guidelines (Richards et al. 2015 PMID: 25741868, with internal and published modifications).

NM_145728.3(SYNM):c.519C>T (p.Pro173=)

Genes: SYNM (synemin; plus strand), SYNM-AS1 (SYNM antisense RNA 1; minus strand), LOC130058014 (ATAC-STARR-seq lymphoblastoid silent region 6864; plus strand). Cytogenetic location: 15q26.3.
Variant type: single nucleotide variant.
Coding change: c.519C>T on transcript NM_145728.3 (MANE Select); coding-DNA position 519, C replaced by T.
Protein change: p.Pro173=; no amino-acid change (proline 173 retained).
Molecular consequence: synonymous variant. On other transcripts: non-coding transcript variant (1).
Genome position (GRCh38, 1-based): chr15:99,105,718, C>T. VCF-style: chr15-99105718-C-T. GRCh37 (hg19) VCF-style: chr15-99645924-C-T.
Other names: c.519C>T, p.Pro173= (NM_015286.6).
Identifiers: ClinVar variation 3031683 (VCV003031683.2), dbSNP rs1198001816, ClinGen allele CA492680858.